The following is an entry in ClinVar:

NM_001378418.1(TCF20):c.3785C>T (p.Ser1262Phe)

Gene: TCF20 (transcription factor 20; minus strand). Cytogenetic location: 22q13.2.
Variant type: single nucleotide variant.
Coding change: c.3785C>T on transcript NM_001378418.1 (MANE Select); coding-DNA position 3785, C replaced by T.
Protein change: p.Ser1262Phe; replaces serine 1262 with phenylalanine.
Molecular consequence: missense variant.
Genome position (GRCh38, 1-based): chr22:42,211,521, G>A on the plus strand (C>T on the coding strand, the complement: TCF20 is on the minus strand). VCF-style: chr22-42211521-G-A. GRCh37 (hg19) VCF-style: chr22-42607527-G-A.
Other names: c.3785C>T, p.Ser1262Phe (NM_005650.4, NM_181492.3); short protein forms S1262F.
Identifiers: ClinVar variation 2577756 (VCV002577756.1), dbSNP rs2518212528, ClinGen allele CA411785728.

ClinVar aggregate classification (germline): Uncertain significance (1 of 4 stars; one submission).

Submission:

GeneDx
Classification: Uncertain significance. Last evaluated: 2023-02-24. Review status: criteria provided, single submitter. Criteria: GeneDx Variant Classification Process June 2021. Collection method: clinical testing. Allele origin: germline. Affected: yes.
Comment: Not observed at significant frequency in large population cohorts (gnomAD); In silico analysis supports that this missense variant has a deleterious effect on protein structure/function; Has not been previously published as pathogenic or benign to our knowledge